The following is an entry in ClinVar:

NM_001379610.1(SPINK1):c.8T>C (p.Val3Ala)

Gene: SPINK1 (serine peptidase inhibitor Kazal type 1; minus strand). Cytogenetic location: 5q32.
Variant type: single nucleotide variant.
Coding change: c.8T>C on transcript NM_001379610.1 (MANE Select); coding-DNA position 8, T replaced by C.
Protein change: p.Val3Ala; replaces valine 3 with alanine.
Molecular consequence: missense variant.
Genome position (GRCh38, 1-based): chr5:147,831,570, A>G on the plus strand (T>C on the coding strand, the complement: SPINK1 is on the minus strand). VCF-style: chr5-147831570-A-G. GRCh37 (hg19) VCF-style: chr5-147211133-A-G.
Other names: c.8T>C, p.Val3Ala (NM_001354966.2, NM_003122.5); short protein forms V3A.
Identifiers: ClinVar variation 656609 (VCV000656609.11), dbSNP rs768306142, ClinGen allele CA3494832.
Genomic context (GRCh38, chr5:147,831,570, plus strand): 5'-ATGCAACACTTACCAGATAGACTCAACAGGGCCAAGGCACTGAGAAGAAAGATGCCTGTT[A>G]CCTTCATGGCTGAAGTTCTGCGTCCAGAGGTCAGTTGAAAACTGCACCGCACTTACCACG-3'
Protein context (NP_001366539.1, residues 1-13): MK[Val3Ala]TGIFLLSALA

ClinVar aggregate classification (germline): Uncertain significance. Review status: criteria provided, multiple submitters, no conflicts (2 of 4 stars). 2 submissions from 2 submitters: Uncertain significance (2). Last evaluated 2025-01-17.

Conditions:
Hereditary pancreatitis (PCTT). Also called: Hereditary chronic pancreatitis; PRSS1-Related Hereditary Pancreatitis. Identifiers: Orphanet 676, MedGen C0238339, MONDO:0008185, OMIM 167800.

Allele frequency attached by ClinVar (database versions not stated): gnomAD exomes 0.00001; TOPMed below 0.00001; gnomAD 0.00001; ExAC 0.00002.
gnomAD v4.1: 20 of 1,613,528 alleles (0.0012%); highest among the groups gnomAD compares: Non-Finnish European, 0.0017%; no homozygotes.

Submissions (2):

Ambry Genetics
Classification: Uncertain significance for Hereditary pancreatitis. Last evaluated: 2025-01-17. Review status: criteria provided, single submitter. Criteria: Ambry Variant Classification Scheme 2023. Collection method: clinical testing. Allele origin: germline.
Comment: The p.V3A variant (also known as c.8T>C), located in coding exon 1 of the SPINK1 gene, results from a T to C substitution at nucleotide position 8. The valine at codon 3 is replaced by alanine, an amino acid with similar properties. This amino acid position is not well conserved in available vertebrate species. In addition, this alteration is predicted to be tolerated by in silico analysis. Based on the available evidence, the clinical significance of this variant remains unclear.

Labcorp Genetics (formerly Invitae), Labcorp
Classification: Uncertain significance for Hereditary pancreatitis. Last evaluated: 2022-10-01. Review status: criteria provided, single submitter. Criteria: Invitae Variant Classification Sherloc (09022015). Collection method: clinical testing. Allele origin: germline.
Comment: This variant has not been reported in the literature in individuals affected with SPINK1-related conditions. This variant is present in population databases (rs768306142, gnomAD 0.002%). This sequence change replaces valine, which is neutral and non-polar, with alanine, which is neutral and non-polar, at codon 3 of the SPINK1 protein (p.Val3Ala). ClinVar contains an entry for this variant (Variation ID: 656609). In summary, the available evidence is currently insufficient to determine the role of this variant in disease. Therefore, it has been classified as a Variant of Uncertain Significance. Algorithms developed to predict the effect of sequence changes on RNA splicing suggest that this variant may disrupt the consensus splice site. Algorithms developed to predict the effect of missense changes on protein structure and function output the following: SIFT: "Deleterious"; PolyPhen-2: "Benign"; Align-GVGD: "Class C0". The alanine amino acid residue is found in multiple mammalian species, which suggests that this missense change does not adversely affect protein function.